The following is an entry in ClinVar:

NM_004006.3(DMD):c.7309+134_7309+135del

Gene: DMD (dystrophin; minus strand). Cytogenetic location: Xp21.1.
Variant type: Microsatellite.
Coding change: c.7309+134_7309+135del on transcript NM_004006.3 (MANE Select); bases 134 to 135 of the intron after coding-DNA position 7309, 2 bases deleted (TG; older notation c.7309+134_7309+135delTG).
Molecular consequence: intron variant.
Genome position (GRCh38, 1-based): chrX:31,819,840-31,819,841, CA deleted on the plus strand (TG on the coding strand, the reverse complement: DMD is on the minus strand); deleting any 2 consecutive bases within chrX:31,819,840-31,819,843 gives the same sequence; the c. name uses the placement nearest the transcript's 3' end. VCF-style (leftmost placement, unchanged base first): chrX-31819839-GCA-G. GRCh37 (hg19) VCF-style: chrX-31837956-GCA-G.
Other names: c.7285+134_7285+135del (NM_000109.4); c.3286+134_3286+135del (NM_004011.4); c.3277+134_3277+135del (NM_004012.4); c.-72+134_-72+135del (NM_004023.3, NM_004020.4, NM_004022.3 and 2 more transcripts); c.7297+134_7297+135del (NM_004009.3); c.6940+134_6940+135del (NM_004010.3).
Identifiers: ClinVar variation 675399 (VCV000675399.1), dbSNP rs200892628, ClinGen allele CA328476074.
Genomic context (GRCh38, chrX:31,819,839, plus strand): 5'-GTTGTCATGCAACACTTTGAATCAGAGTCAATTTCCAAGGAATGTACTCTAAGACTTTTT[GCA>G]CAGTCAATAACACAAAGGTTTATCTCTATCTTTAGAATTGAAACAAATTTTCTCTCTCAC-3'

ClinVar aggregate classification (germline): Likely benign (1 of 4 stars; one submission).

Submission:

GeneDx
Classification: Likely benign. Last evaluated: 2018-06-14. Review status: criteria provided, single submitter. Criteria: GeneDx Variant Classification (06012015). Collection method: clinical testing. Allele origin: germline. Affected: yes.
Comment: This variant is considered likely benign or benign based on one or more of the following criteria: it is a conservative change, it occurs at a poorly conserved position in the protein, it is predicted to be benign by multiple in silico algorithms, and/or has population frequency not consistent with disease.